The following is an entry in ClinVar:

ClinVar aggregate classification (germline): Uncertain significance. Review status: criteria provided, multiple submitters, no conflicts (2 of 4 stars). 2 submissions from 2 submitters: Uncertain significance (2). Last evaluated 2023-12-14.

Conditions:
Meckel-Gruber syndrome. Also called: Dysencephalia splachnocystica; DYSENCEPHALIA SPLANCHNOCYSTICA; GRUBER SYNDROME. Identifiers: Orphanet 564, MedGen C0265215, MONDO:0018921.
Joubert syndrome. Also called: Familial aplasia of the vermis; JOUBERT-BOLTSHAUSER SYNDROME. Identifiers: Orphanet 475, MedGen C5979921, MONDO:0018772.

Allele frequency attached by ClinVar (database versions not stated): TOPMed below 0.00001; gnomAD exomes 0.00001 and 0.00003; gnomAD 0.00002; ExAC 0.00005; 1000 Genomes Project 30x 0.00047; 1000 Genomes Project 0.00060.
gnomAD v4.1: 14 of 1,612,702 alleles (0.00087%); highest among the groups gnomAD compares: South Asian, 0.014%; no homozygotes.

Submissions (2):

Blueprint Genetics
Classification: Uncertain significance. Last evaluated: 2023-12-14. Review status: criteria provided, single submitter. Criteria: ACMG Guidelines, 2015. Collection method: clinical testing. Allele origin: germline.

Labcorp Genetics (formerly Invitae), Labcorp
Classification: Uncertain significance for Joubert syndrome; Meckel-Gruber syndrome. Last evaluated: 2021-08-31. Review status: criteria provided, single submitter. Criteria: Invitae Variant Classification Sherloc (09022015). Collection method: clinical testing. Allele origin: germline.
Comment: This sequence change replaces leucine with valine at codon 606 of the RPGRIP1L protein (p.Leu606Val). The leucine residue is highly conserved and there is a small physicochemical difference between leucine and valine. This variant is present in population databases (rs552056656, ExAC 0.04%). This variant has not been reported in the literature in individuals affected with RPGRIP1L-related conditions. Algorithms developed to predict the effect of missense changes on protein structure and function are either unavailable or do not agree on the potential impact of this missense change (SIFT: "Deleterious"; PolyPhen-2: "Possibly Damaging"; Align-GVGD: "Class C0"). In summary, the available evidence is currently insufficient to determine the role of this variant in disease. Therefore, it has been classified as a Variant of Uncertain Significance.

NM_015272.5(RPGRIP1L):c.1816C>G (p.Leu606Val)

Gene: RPGRIP1L (RPGRIP1 like; minus strand). Cytogenetic location: 16q12.2.
Variant type: single nucleotide variant.
Coding change: c.1816C>G on transcript NM_015272.5 (MANE Select); coding-DNA position 1816, C replaced by G.
Protein change: p.Leu606Val; replaces leucine 606 with valine.
Molecular consequence: missense variant.
Genome position (GRCh38, 1-based): chr16:53,652,871, G>C on the plus strand (C>G on the coding strand, the complement: RPGRIP1L is on the minus strand). VCF-style: chr16-53652871-G-C. GRCh37 (hg19) VCF-style: chr16-53686783-G-C.
Other names: c.1816C>G, p.Leu606Val (NM_001127897.4, NM_001308334.3, NM_001330538.2); short protein forms L606V.
Identifiers: ClinVar variation 1448204 (VCV001448204.6), dbSNP rs552056656, ClinGen allele CA8057695.
Genomic context (GRCh38, chr16:53,652,871, plus strand): 5'-CTCCAGATGCCTGTAAAACTTCAGAAGAAAAGGTTACTTTGTTGATATGGATTTCAAATA[G>C]ATTTTCGCCTCGTTCTAAGTGGATGGTTTCATCAAATTCATCAACAGAGTCATCTGGCAT-3'
Protein context (NP_056087.2, residues 596-616): ETIHLERGEN[Leu606Val]FEIHINKVTF